The following is an entry in ClinVar:

NM_020884.7(MYH7B):c.3547C>T (p.Arg1183Trp)

Gene: MYH7B (myosin heavy chain 7B; plus strand). Cytogenetic location: 20q11.22.
Variant type: single nucleotide variant.
Coding change: c.3547C>T on transcript NM_020884.7 (MANE Select); coding-DNA position 3547, C replaced by T.
Protein change: p.Arg1183Trp; replaces arginine 1183 with tryptophan.
Molecular consequence: missense variant.
Genome position (GRCh38, 1-based): chr20:34,997,440, C>T. VCF-style: chr20-34997440-C-T. GRCh37 (hg19) VCF-style: chr20-33585243-C-T.
Other names: NC_000020.10:g.33585243C>T; c.3673C>T (NM_020884.4); short protein forms R1183W.
Identifiers: ClinVar variation 4449575 (VCV004449575.2).

ClinVar aggregate classification (germline): Uncertain significance (1 of 4 stars; one submission).

Conditions:
MYH7B-related disorder. Also called: MYH7B-related condition.

gnomAD v4.1: 11 of 1,472,694 alleles (0.00075%); highest among the groups gnomAD compares: South Asian, 0.0041%; no homozygotes.

Submissions (2):

PreventionGenetics, part of Exact Sciences
Classification: Uncertain significance for MYH7B-related condition. Last evaluated: 2026-01-22. Review status: criteria provided, single submitter. Criteria: ACMG Guidelines, 2015. Collection method: clinical testing. Allele origin: germline.
Comment: The MYH7B c.3673C>T variant is predicted to result in the amino acid substitution p.Arg1225Trp. To our knowledge, this variant has not been reported in the literature. This variant is reported in 0.0046% of alleles in individuals of European (Non-Finnish) descent in gnomAD. At this time, the clinical significance of this variant is uncertain due to the absence of conclusive functional and genetic evidence.

Dr. Peter K. Rogan Lab, Western University
No classification provided (evidence only). Condition: Ovarian serous cystadenocarcinoma. Review status: no classification provided. Collection method: in vitro. Allele origin: not applicable. Functional consequence: retained intron. Not counted in ClinVar's aggregate classification.